The following is an entry in ClinVar:

ClinVar aggregate classification (germline): Uncertain significance. Review status: criteria provided, multiple submitters, no conflicts (2 of 4 stars). 2 submissions from 2 submitters: Uncertain significance (2). Last evaluated 2024-12-19.

Conditions:
RNF213-related disorder. Also called: RNF213-related condition.

gnomAD v4.1: 314 of 1,611,440 alleles (0.019%); highest among the groups gnomAD compares: Non-Finnish European, 0.026%; no homozygotes.

Submissions (2):

PreventionGenetics, part of Exact Sciences
Classification: Uncertain significance for RNF213-related condition. Last evaluated: 2024-12-19. Review status: criteria provided, single submitter. Criteria: ACMG Guidelines, 2015. Collection method: clinical testing. Allele origin: germline.
Comment: The RNF213 c.6179C>T variant is predicted to result in the amino acid substitution p.Ser2060Phe. To our knowledge, this variant has not been reported in the literature. This variant is reported in 0.014% of alleles in individuals of European (Non-Finnish) descent in gnomAD. At this time, the clinical significance of this variant is uncertain due to the absence of conclusive functional and genetic evidence.

GeneDx
Classification: Uncertain significance. Last evaluated: 2024-10-15. Review status: criteria provided, single submitter. Criteria: GeneDx Variant Classification Process June 2021. Collection method: clinical testing. Allele origin: germline. Affected: yes.
Comment: In silico analysis supports that this missense variant has a deleterious effect on protein structure/function; Has not been previously published as pathogenic or benign to our knowledge

NM_001256071.3(RNF213):c.6179C>T (p.Ser2060Phe)

Gene: RNF213 (ring finger protein 213; plus strand). Cytogenetic location: 17q25.3.
Variant type: single nucleotide variant.
Coding change: c.6179C>T on transcript NM_001256071.3 (MANE Select); coding-DNA position 6179, C replaced by T.
Protein change: p.Ser2060Phe; replaces serine 2060 with phenylalanine.
Molecular consequence: missense variant.
Genome position (GRCh38, 1-based): chr17:80,343,321, C>T. VCF-style: chr17-80343321-C-T. GRCh37 (hg19) VCF-style: chr17-78317121-C-T.
Other names: c.6179C>T (NM_001256071.2); c.6326C>T, p.Ser2109Phe (NM_001410195.1, NM_020914.5); short protein forms S2109F, S2060F.
Identifiers: ClinVar variation 3781028 (VCV003781028.2).
Genomic context (GRCh38, chr17:80,343,321, plus strand): 5'-TGCCCTTCCTGGATGCGCAGTATCAGAAGGTCCCCGTGCTCTTTCACCTGGACGTGACCT[C>T]CTCAGTAAGTGCCCTCCAGCGTCAGCCGATGGCCACATCAGTAAAGACGTGGTCCCCATG-3'
Protein context (NP_001243000.2, residues 2050-2070): VPVLFHLDVT[Ser2060Phe]SVQTGIWVFL